The following is an entry in ClinVar:

NM_017780.4(CHD7):c.3667G>A (p.Glu1223Lys)

Gene: CHD7 (chromodomain helicase DNA binding protein 7; plus strand). Cytogenetic location: 8q12.2.
Variant type: single nucleotide variant.
Coding change: c.3667G>A on transcript NM_017780.4 (MANE Select); coding-DNA position 3667, G replaced by A.
Protein change: p.Glu1223Lys; replaces glutamic acid 1223 with lysine.
Molecular consequence: missense variant. On other transcripts: intron variant (1).
Genome position (GRCh38, 1-based): chr8:60,830,466, G>A. VCF-style: chr8-60830466-G-A. GRCh37 (hg19) VCF-style: chr8-61743025-G-A.
Other names: c.1717-31763G>A (NM_001316690.1); short protein forms E1223K.
Identifiers: ClinVar variation 3719728 (VCV003719728.2).

ClinVar aggregate classification (germline): Uncertain significance (1 of 4 stars; one submission).

Conditions:
CHARGE syndrome (CHARGE). Also called: Hittner Hirsch Kreh syndrome; CHARGE ASSOCIATION--COLOBOMA, HEART ANOMALY, CHOANAL ATRESIA, RETARDATION, GENITAL AND EAR ANOMALIES; Coloboma, heart anomaly, choanal atresia, retardation, genital and ear anomalies; CHARGE association; Hall-Hittner syndrome. Identifiers: Orphanet 138, MedGen C0265354, MONDO:0008965.

Submission:

Labcorp Genetics (formerly Invitae), Labcorp
Classification: Uncertain significance for CHARGE syndrome. Last evaluated: 2025-02-02. Review status: criteria provided, single submitter. Criteria: Invitae Variant Classification Sherloc (09022015). Collection method: clinical testing. Allele origin: germline.
Comment: This sequence change replaces glutamic acid, which is acidic and polar, with lysine, which is basic and polar, at codon 1223 of the CHD7 protein (p.Glu1223Lys). This variant is not present in population databases (gnomAD no frequency). This variant has not been reported in the literature in individuals affected with CHD7-related conditions. Invitae Evidence Modeling of protein sequence and biophysical properties (such as structural, functional, and spatial information, amino acid conservation, physicochemical variation, residue mobility, and thermodynamic stability) indicates that this missense variant is expected to disrupt CHD7 protein function with a positive predictive value of 95%. In summary, the available evidence is currently insufficient to determine the role of this variant in disease. Therefore, it has been classified as a Variant of Uncertain Significance.